The following is an entry in ClinVar:

ClinVar aggregate classification (germline): Conflicting classifications of pathogenicity. Review status: criteria provided, conflicting classifications (1 of 4 stars). 3 submissions from 3 submitters: Likely pathogenic (1); Uncertain significance (1). 1 of the submissions does not count toward it. Last evaluated 2018-11-12.

Conditions:
Charcot-Marie-Tooth disease. Also called: Charcot-Marie-Tooth Hereditary Neuropathy; Charcot-Marie-Tooth Neuropathy. Identifiers: Orphanet 166, MedGen C0007959, MONDO:0015626.
Charcot-Marie-Tooth disease X-linked dominant 1. Also called: Charcot-Marie-Tooth Neuropathy X Type 1; X-linked Charcot-Marie-Tooth disease type 1; GJB1 Disorders: Charcot-Marie-Tooth Neuropathy (CMT1X) and Central Nervous System Phenotypes; CHARCOT-MARIE-TOOTH NEUROPATHY, X-LINKED, 1; CHARCOT-MARIE-TOOTH PERONEAL MUSCULAR ATROPHY, X-LINKED; HEREDITARY MOTOR AND SENSORY NEUROPATHY, X-LINKED. Identifiers: Orphanet 101075, MedGen C0393808, MONDO:0010549, OMIM 302800.

Submissions (3):

Institute of Human Genetics, University of Leipzig Medical Center
Classification: Uncertain significance for Charcot-Marie-Tooth disease X-linked dominant 1. Last evaluated: 2018-11-12. Review status: criteria provided, single submitter. Criteria: ACMG Guidelines, 2015. Collection method: clinical testing. Allele origin: germline. Affected: yes. Observed: 1 variant allele.
Comment: This variant was identified as hemizygous

Molecular Genetics Laboratory, London Health Sciences Centre
Classification: Likely pathogenic for Charcot-Marie-Tooth disease. Review status: criteria provided, single submitter. Criteria: ACMG Guidelines, 2015. Collection method: clinical testing. Allele origin: germline. Affected: yes.

Inherited Neuropathy Consortium
Classification: Uncertain significance for Charcot-Marie-Tooth disease. Review status: no assertion criteria provided. Collection method: literature only. Allele origin: germline. Affected: yes. Not counted in ClinVar's aggregate classification.

Literature cited by the submitters: PubMed 8990008 (cited by Inherited Neuropathy Consortium).

NM_000166.6(GJB1):c.73C>T (p.Leu25Phe)

Gene: GJB1 (gap junction protein beta 1; plus strand). Cytogenetic location: Xq13.1.
Variant type: single nucleotide variant.
Coding change: c.73C>T on transcript NM_000166.6 (MANE Select); coding-DNA position 73, C replaced by T.
Protein change: p.Leu25Phe; replaces leucine 25 with phenylalanine.
Molecular consequence: missense variant.
Genome position (GRCh38, 1-based): chrX:71,223,780, C>T. VCF-style: chrX-71223780-C-T. GRCh37 (hg19) VCF-style: chrX-70443630-C-T.
Other names: c.73C>T, p.Leu25Phe (NM_001097642.3); short protein forms L25F.
Identifiers: ClinVar variation 637201 (VCV000637201.3), dbSNP rs1602348662, ClinGen allele CA413500774.